The following is an entry in ClinVar:

NM_004715.5(CTDP1):c.184G>A (p.Gly62Arg)

Gene: CTDP1 (CTD phosphatase subunit 1; plus strand). Cytogenetic location: 18q23.
Variant type: single nucleotide variant.
Coding change: c.184G>A on transcript NM_004715.5 (MANE Select); coding-DNA position 184, G replaced by A.
Protein change: p.Gly62Arg; replaces glycine 62 with arginine.
Molecular consequence: missense variant.
Genome position (GRCh38, 1-based): chr18:79,680,131, G>A. VCF-style: chr18-79680131-G-A. GRCh37 (hg19) VCF-style: chr18-77440131-G-A.
Other names: c.184G>A, p.Gly62Arg (NM_001318511.2, NM_048368.4); short protein forms G62R.
Identifiers: ClinVar variation 1977160 (VCV001977160.2), dbSNP rs1432097887, ClinGen allele CA402825126.
Genomic context (GRCh38, chr18:79,680,131, plus strand): 5'-GCCGTGCGCATCGGCTCGGTGCTGGCCGTGTTCGAGGCCGCCGCCTCCGCGCAGTCCTCC[G>A]GGGCCTCTCAGTCCCGTGTAGCCTCCGGGGGCTGCGTGCGCCCCGCGCGGCCGGAACGCA-3'
Protein context (NP_004706.3, residues 52-72): FEAAASAQSS[Gly62Arg]ASQSRVASGG

ClinVar aggregate classification (germline): Uncertain significance (1 of 4 stars; one submission).

Allele frequency attached by ClinVar (database versions not stated): gnomAD exomes below 0.00001; TOPMed below 0.00001.
gnomAD v4.1: 7 of 1,430,508 alleles (0.00049%); highest among the groups gnomAD compares: Admixed American, 0.01%; no homozygotes.

Submission:

Labcorp Genetics (formerly Invitae), Labcorp
Classification: Uncertain significance. Last evaluated: 2022-07-25. Review status: criteria provided, single submitter. Criteria: Invitae Variant Classification Sherloc (09022015). Collection method: clinical testing. Allele origin: germline.
Comment: This sequence change replaces glycine, which is neutral and non-polar, with arginine, which is basic and polar, at codon 62 of the CTDP1 protein (p.Gly62Arg). The frequency data for this variant in the population databases is considered unreliable, as metrics indicate poor data quality at this position in the gnomAD database. This variant has not been reported in the literature in individuals affected with CTDP1-related conditions. Algorithms developed to predict the effect of missense changes on protein structure and function are either unavailable or do not agree on the potential impact of this missense change (SIFT: "Tolerated"; PolyPhen-2: "Possibly Damaging"; Align-GVGD: "Class C0"). Algorithms developed to predict the effect of sequence changes on RNA splicing suggest that this variant may create or strengthen a splice site. In summary, the available evidence is currently insufficient to determine the role of this variant in disease. Therefore, it has been classified as a Variant of Uncertain Significance.